The following is an entry in ClinVar:

ClinVar aggregate classification (germline): Uncertain significance. Review status: criteria provided, single submitter (1 of 4 stars). 2 submissions from 2 submitters: Uncertain significance (1). 1 of the submissions does not count toward it. Last evaluated 2022-06-11.

Conditions:
SDCCAG8-related disorder. Also called: SDCCAG8-Related Disorders; SDCCAG8-related condition.
Senior-Loken syndrome 7 (SLSN7). Identifiers: Orphanet 3156, MedGen C3150877, MONDO:0013326, OMIM 613615.
Bardet-Biedl syndrome 16 (BBS16). Identifiers: Orphanet 110, MedGen C3889474, MONDO:0014444, OMIM 615993.

Allele frequency attached by ClinVar (database versions not stated): gnomAD exomes below 0.00001; gnomAD 0.00001; ExAC 0.00002; TOPMed 0.00004.
gnomAD v4.1: 3 of 1,612,906 alleles (0.00019%); highest among the groups gnomAD compares: African/African-American, 0.004%; no homozygotes.

Submissions (2):

Labcorp Genetics (formerly Invitae), Labcorp
Classification: Uncertain significance for Bardet-Biedl syndrome 16; Senior-Loken syndrome 7. Last evaluated: 2022-06-11. Review status: criteria provided, single submitter. Criteria: Invitae Variant Classification Sherloc (09022015). Collection method: clinical testing. Allele origin: germline.
Comment: This sequence change affects codon 618 of the SDCCAG8 mRNA. It is a 'silent' change, meaning that it does not change the encoded amino acid sequence of the SDCCAG8 protein. It affects a nucleotide within the consensus splice site. This variant is present in population databases (rs771976516, gnomAD 0.02%). In summary, the available evidence is currently insufficient to determine the role of this variant in disease. Therefore, it has been classified as a Variant of Uncertain Significance. Algorithms developed to predict the effect of sequence changes on RNA splicing suggest that this variant is not likely to affect RNA splicing. This variant has not been reported in the literature in individuals affected with SDCCAG8-related conditions.

PreventionGenetics, part of Exact Sciences
Classification: Likely benign for SDCCAG8-related condition. Last evaluated: 2023-10-13. Review status: no assertion criteria provided. Collection method: clinical testing. Allele origin: germline. Not counted in ClinVar's aggregate classification.
Comment: This variant is classified as likely benign based on ACMG/AMP sequence variant interpretation guidelines (Richards et al. 2015 PMID: 25741868, with internal and published modifications).

NM_006642.5(SDCCAG8):c.1854A>G (p.Arg618=)

Gene: SDCCAG8 (SHH signaling and ciliogenesis regulator SDCCAG8; plus strand). Cytogenetic location: 1q43.
Variant type: single nucleotide variant.
Coding change: c.1854A>G on transcript NM_006642.5 (MANE Select); coding-DNA position 1854, A replaced by G.
Protein change: p.Arg618=; no amino-acid change (arginine 618 retained).
Molecular consequence: synonymous variant.
Genome position (GRCh38, 1-based): chr1:243,426,427, A>G. VCF-style: chr1-243426427-A-G. GRCh37 (hg19) VCF-style: chr1-243589729-A-G.
Other names: c.1854A>G (NM_006642.3); c.951A>G, p.Arg317= (NM_001350246.2, NM_001350247.2, NM_001350251.2); c.1950A>G, p.Arg650= (NM_001350248.2); c.1560A>G, p.Arg520= (NM_001350249.2).
Identifiers: ClinVar variation 2138839 (VCV002138839.5), dbSNP rs771976516, ClinGen allele CA1483762.